The following is an entry in ClinVar:

ClinVar aggregate classification (germline): Uncertain significance (1 of 4 stars; one submission).

gnomAD v4.1: 1 of 1,613,756 alleles (0.000062%); highest among the groups gnomAD compares: Non-Finnish European, 0.000085%; no homozygotes.

Submission:

Labcorp Genetics (formerly Invitae), Labcorp
Classification: Uncertain significance. Last evaluated: 2024-03-28. Review status: criteria provided, single submitter. Criteria: Invitae Variant Classification Sherloc (09022015). Collection method: clinical testing. Allele origin: germline.
Comment: This sequence change replaces glycine, which is neutral and non-polar, with arginine, which is basic and polar, at codon 466 of the CLCN2 protein (p.Gly466Arg). This variant also falls at the last nucleotide of exon 13, which is part of the consensus splice site for this exon. This variant is not present in population databases (gnomAD no frequency). This variant has not been reported in the literature in individuals affected with CLCN2-related conditions. An algorithm developed to predict the effect of missense changes on protein structure and function (PolyPhen-2) suggests that this variant is likely to be disruptive. Variants that disrupt the consensus splice site are a relatively common cause of aberrant splicing (PMID: 17576681, 9536098). Algorithms developed to predict the effect of sequence changes on RNA splicing suggest that this variant may disrupt the consensus splice site. In summary, the available evidence is currently insufficient to determine the role of this variant in disease. Therefore, it has been classified as a Variant of Uncertain Significance.

Literature cited by the submitters: PubMed 17576681; PubMed 9536098.

NM_004366.6(CLCN2):c.1396G>A (p.Gly466Arg)

Gene: CLCN2 (chloride voltage-gated channel 2; minus strand). Cytogenetic location: 3q27.1.
Variant type: single nucleotide variant.
Coding change: c.1396G>A on transcript NM_004366.6 (MANE Select); coding-DNA position 1396, G replaced by A.
Protein change: p.Gly466Arg; replaces glycine 466 with arginine.
Molecular consequence: missense variant.
Genome position (GRCh38, 1-based): chr3:184,354,904, C>T on the plus strand (G>A on the coding strand, the complement: CLCN2 is on the minus strand). VCF-style: chr3-184354904-C-T. GRCh37 (hg19) VCF-style: chr3-184072692-C-T.
Other names: c.1396G>A, p.Asp466Asn (NM_001171087.3); c.1264G>A, p.Gly422Arg (NM_001171088.3); c.1396G>A, p.Gly466Arg (NM_001171089.3); short protein forms G466R, G422R, D466N.
Identifiers: ClinVar variation 3698964 (VCV003698964.2).